The following is an entry in ClinVar:

NM_004715.5(CTDP1):c.1638C>T (p.Asn546=)

Gene: CTDP1 (CTD phosphatase 1; plus strand). Cytogenetic location: 18q23.
Variant type: single nucleotide variant.
Coding change: c.1638C>T on transcript NM_004715.5 (MANE Select); coding-DNA position 1638, C replaced by T.
Protein change: p.Asn546=; no amino-acid change (asparagine 546 retained).
Molecular consequence: synonymous variant.
Genome position (GRCh38, 1-based): chr18:79,715,098, C>T. VCF-style: chr18-79715098-C-T. GRCh37 (hg19) VCF-style: chr18-77475098-C-T.
Other names: c.1281C>T, p.Asn427= (NM_001202504.1); c.1638C>T, p.Asn546= (NM_001318511.2, NM_048368.4).
Identifiers: ClinVar variation 2578812 (VCV002578812.25), dbSNP rs773856315, ClinGen allele CA9010354.

ClinVar aggregate classification (germline): Likely benign (1 of 4 stars; one submission).

Allele frequency attached by ClinVar (database versions not stated): ExAC 0.00003; gnomAD 0.00003; TOPMed 0.00004; gnomAD exomes 0.00007.
gnomAD v4.1: 100 of 1,612,976 alleles (0.0062%); highest among the groups gnomAD compares: Middle Eastern, 0.016%; no homozygotes.

Submission:

CeGaT Center for Human Genetics Tuebingen
Classification: Likely benign. Last evaluated: 2023-08-01. Review status: criteria provided, single submitter. Criteria: CeGaT Center For Human Genetics Tuebingen Variant Classification Criteria Version 2. Collection method: clinical testing. Allele origin: germline. Affected: yes. Observed: 1 variant allele.
Comment: CTDP1: BP4, BP7